The following is an entry in ClinVar:

ClinVar aggregate classification (germline): Uncertain significance (1 of 4 stars; one submission).

Conditions:
Dyskeratosis congenita, autosomal dominant 2. Identifiers: MedGen C3151443, MONDO:0013521, OMIM 613989.
Idiopathic Pulmonary Fibrosis. Also called: Idiopathic fibrosing alveolitis, chronic form; idiopathic fibrosing alveolitis. Identifiers: Orphanet 2032, MedGen C1800706, MeSH D054990, MONDO:0800504.

gnomAD v4.1: 2 of 1,545,738 alleles (0.00013%); highest among the groups gnomAD compares: Admixed American, 0.0039%; no homozygotes.

Submission:

Labcorp Genetics (formerly Invitae), Labcorp
Classification: Uncertain significance for Dyskeratosis congenita, autosomal dominant 2; Idiopathic Pulmonary Fibrosis. Last evaluated: 2023-10-19. Review status: criteria provided, single submitter. Criteria: Invitae Variant Classification Sherloc (09022015). Collection method: clinical testing. Allele origin: germline.
Comment: This sequence change replaces glutamic acid, which is acidic and polar, with lysine, which is basic and polar, at codon 439 of the TERT protein (p.Glu439Lys). This variant is not present in population databases (gnomAD no frequency). This variant has not been reported in the literature in individuals affected with TERT-related conditions. ClinVar contains an entry for this variant (Variation ID: 838060). Advanced modeling of protein sequence and biophysical properties (such as structural, functional, and spatial information, amino acid conservation, physicochemical variation, residue mobility, and thermodynamic stability) performed at Invitae indicates that this missense variant is not expected to disrupt TERT protein function. In summary, the available evidence is currently insufficient to determine the role of this variant in disease. Therefore, it has been classified as a Variant of Uncertain Significance.

NM_198253.3(TERT):c.1315G>A (p.Glu439Lys)

Gene: TERT (telomerase reverse transcriptase; minus strand). Cytogenetic location: 5p15.33.
Variant type: single nucleotide variant.
Coding change: c.1315G>A on transcript NM_198253.3 (MANE Select); coding-DNA position 1315, G replaced by A.
Protein change: p.Glu439Lys; replaces glutamic acid 439 with lysine.
Molecular consequence: missense variant. On other transcripts: non-coding transcript variant (2).
Genome position (GRCh38, 1-based): chr5:1,293,571, C>T on the plus strand (G>A on the coding strand, the complement: TERT is on the minus strand). VCF-style: chr5-1293571-C-T. GRCh37 (hg19) VCF-style: chr5-1293686-C-T.
Other names: c.1315G>A, p.Glu439Lys (NM_001193376.3); short protein forms E439K.
Identifiers: ClinVar variation 838060 (VCV000838060.8), dbSNP rs747463378, ClinGen allele CA359086246.